The following is an entry in ClinVar:

NM_016151.4(TAOK2):c.2929C>G (p.Leu977Val)

Gene: TAOK2 (TAO kinase 2; plus strand). Cytogenetic location: 16p11.2.
Variant type: single nucleotide variant.
Coding change: c.2929C>G on transcript NM_016151.4 (MANE Select); coding-DNA position 2929, C replaced by G.
Protein change: p.Leu977Val; replaces leucine 977 with valine.
Molecular consequence: missense variant. On other transcripts: intron variant (1).
Genome position (GRCh38, 1-based): chr16:29,987,201, C>G. VCF-style: chr16-29987201-C-G. GRCh37 (hg19) VCF-style: chr16-29998522-C-G.
Other names: c.2590C>G, p.Leu864Val (NM_001252043.2); c.2232+697C>G (NM_004783.4); short protein forms L864V, L977V.
Identifiers: ClinVar variation 3608665 (VCV003608665.2).

ClinVar aggregate classification (germline): Uncertain significance (1 of 4 stars; one submission).

Submission:

Labcorp Genetics (formerly Invitae), Labcorp
Classification: Uncertain significance. Last evaluated: 2024-08-27. Review status: criteria provided, single submitter. Criteria: Invitae Variant Classification Sherloc (09022015). Collection method: clinical testing. Allele origin: germline.
Comment: This sequence change replaces leucine, which is neutral and non-polar, with valine, which is neutral and non-polar, at codon 977 of the TAOK2 protein (p.Leu977Val). This variant is not present in population databases (gnomAD no frequency). This variant has not been reported in the literature in individuals affected with TAOK2-related conditions. An algorithm developed to predict the effect of missense changes on protein structure and function (PolyPhen-2) suggests that this variant is likely to be disruptive. In summary, the available evidence is currently insufficient to determine the role of this variant in disease. Therefore, it has been classified as a Variant of Uncertain Significance.